The following is an entry in ClinVar:

ClinVar aggregate classification (germline): Uncertain significance. Review status: criteria provided, multiple submitters, no conflicts (2 of 4 stars). 3 submissions from 3 submitters: Uncertain significance (3). Last evaluated 2026-03-20.

Conditions:
Inborn genetic diseases. Identifiers: MedGen C0950123, MeSH D030342.
SCN9A-related disorder. Also called: SCN9A-related disorders; SCN9A-related condition.
Neuropathy, hereditary sensory and autonomic, type 2A (HSAN2A). Also called: WNK1-Related HSAN2 (HSAN2A); MORVAN DISEASE; NEUROPATHY, CONGENITAL SENSORY; NEUROPATHY, HEREDITARY SENSORY RADICULAR, AUTOSOMAL RECESSIVE; NEUROPATHY, HEREDITARY SENSORY, TYPE IIA; NEUROPATHY, PROGRESSIVE SENSORY, OF CHILDREN. Identifiers: Orphanet 970, MedGen C2752089, MONDO:0024309, OMIM 201300.
Generalized epilepsy with febrile seizures plus, type 7 (GEFSP7). Also called: GEFS+, TYPE 7. Identifiers: Orphanet 36387, MedGen C2751778, MONDO:0013470, OMIM 613863.

Allele frequency attached by ClinVar (database versions not stated): TOPMed below 0.00001; gnomAD exomes 0.00001.

Submissions (3):

PreventionGenetics, part of Exact Sciences
Classification: Uncertain significance for SCN9A-related condition. Last evaluated: 2026-03-20. Review status: criteria provided, single submitter. Criteria: ACMG Guidelines, 2015. Collection method: clinical testing. Allele origin: germline.
Comment: The SCN9A c.226G>A variant is predicted to result in the amino acid substitution p.Glu76Lys. To our knowledge, this variant has not been reported in the literature or in a large population database (gnomAD), indicating this variant is rare. At this time, the clinical significance of this variant is uncertain due to the absence of conclusive functional and genetic evidence.

Labcorp Genetics (formerly Invitae), Labcorp
Classification: Uncertain significance for Neuropathy, hereditary sensory and autonomic, type 2A; Generalized epilepsy with febrile seizures plus, type 7. Last evaluated: 2025-08-24. Review status: criteria provided, single submitter. Criteria: Invitae Variant Classification Sherloc (09022015). Collection method: clinical testing. Allele origin: germline.
Comment: This sequence change replaces glutamic acid, which is acidic and polar, with lysine, which is basic and polar, at codon 76 of the SCN9A protein (p.Glu76Lys). This variant is not present in population databases (gnomAD no frequency). This variant has not been reported in the literature in individuals affected with SCN9A-related conditions. ClinVar contains an entry for this variant (Variation ID: 1788762). Invitae Evidence Modeling of protein sequence and biophysical properties (such as structural, functional, and spatial information, amino acid conservation, physicochemical variation, residue mobility, and thermodynamic stability) has been performed for this missense variant. However, the output from this modeling did not meet the statistical confidence thresholds required to predict the impact of this variant on SCN9A protein function. In summary, the available evidence is currently insufficient to determine the role of this variant in disease. Therefore, it has been classified as a Variant of Uncertain Significance.

Ambry Genetics
Classification: Uncertain significance for Inborn genetic diseases. Last evaluated: 2021-08-24. Review status: criteria provided, single submitter. Criteria: Ambry Variant Classification Scheme 2023. Collection method: clinical testing. Allele origin: germline.
Comment: The p.E76K variant (also known as c.226G>A), located in coding exon 1 of the SCN9A gene, results from a G to A substitution at nucleotide position 226. The glutamic acid at codon 76 is replaced by lysine, an amino acid with similar properties. This amino acid position is conserved. In addition, this alteration is predicted to be deleterious by in silico analysis. Since supporting evidence is limited at this time, the clinical significance of this alteration remains unclear.

NM_001365536.1(SCN9A):c.226G>A (p.Glu76Lys)

Gene: SCN9A (sodium voltage-gated channel alpha subunit 9; minus strand). Cytogenetic location: 2q24.3.
Variant type: single nucleotide variant.
Coding change: c.226G>A on transcript NM_001365536.1 (MANE Select); coding-DNA position 226, G replaced by A.
Protein change: p.Glu76Lys; replaces glutamic acid 76 with lysine.
Molecular consequence: missense variant.
Genome position (GRCh38, 1-based): chr2:166,311,531, C>T on the plus strand (G>A on the coding strand, the complement: SCN9A is on the minus strand). VCF-style: chr2-166311531-C-T. GRCh37 (hg19) VCF-style: chr2-167168041-C-T.
Other names: c.226G>A, p.Glu76Lys (NM_002977.4); short protein forms E76K.
Identifiers: ClinVar variation 1788762 (VCV001788762.5), dbSNP rs200482081, ClinGen allele CA59810361.